The following is an entry in ClinVar:

ClinVar aggregate classification (germline): Pathogenic (1 of 4 stars; one submission).

Conditions:
Aicardi-Goutieres syndrome 4. Identifiers: Orphanet 51, MedGen C1835912, MONDO:0012472, OMIM 610333.

Submission:

Labcorp Genetics (formerly Invitae), Labcorp
Classification: Pathogenic for Aicardi-Goutieres syndrome 4. Last evaluated: 2025-12-22. Review status: criteria provided, single submitter. Criteria: Invitae Variant Classification Sherloc (09022015). Collection method: clinical testing. Allele origin: germline.
Comment: This sequence change creates a premature translational stop signal (p.Phe80Argfs*33) in the RNASEH2A gene. It is expected to result in an absent or disrupted protein product. Loss-of-function variants in RNASEH2A are known to be pathogenic (PMID: 21454563, 25274781). This variant is not present in population databases (gnomAD no frequency). This variant has not been reported in the literature in individuals affected with RNASEH2A-related conditions. For these reasons, this variant has been classified as Pathogenic.

Literature cited by the submitters: PubMed 21454563; PubMed 25274781.

NM_006397.3(RNASEH2A):c.238_241del (p.Phe80fs)

Gene: RNASEH2A (ribonuclease H2 subunit A; plus strand). Cytogenetic location: 19p13.13.
Variant type: Deletion.
Coding change: c.238_241del on transcript NM_006397.3 (MANE Select); coding-DNA positions 238 to 241, 4 bases deleted (TTTG; older notation c.238_241delTTTG).
Protein change: p.Phe80fs; shifts the reading frame from phenylalanine 80.
Molecular consequence: frameshift variant.
Genome position (GRCh38, 1-based): chr19:12,807,244-12,807,247, TTTG deleted; deleting any 4 consecutive bases within chr19:12,807,242-12,807,247 gives the same sequence; the c. name uses the placement nearest the transcript's 3' end. VCF-style (leftmost placement, unchanged base first): chr19-12807241-CTGTT-C. GRCh37 (hg19) VCF-style: chr19-12918055-CTGTT-C.
Other names: short protein forms F80fs.
Identifiers: ClinVar variation 4711504 (VCV004711504.1).
Genomic context (GRCh38, chr19:12,807,241, plus strand): 5'-CCTTCTCTTCCAAACCTCCTCCCAGACTCAAAGACCCTATTGGAGAGCGAGCGGGAAAGG[CTGTT>C]TGCGAAAATGGAGGACACGGACTTTGTCGGCTGGGCGCTGGATGTGCTGTCTCCAAACCT-3'